The following is an entry in ClinVar:

ClinVar aggregate classification (germline): Pathogenic (1 of 4 stars; one submission).

Conditions:
Congenital contractural arachnodactyly (CCA). Also called: Arthrogryposis, distal, type 9; BEALS SYNDROME; Beals-Hecht syndrome. Identifiers: Orphanet 115, MedGen C0220668, MONDO:0007363, OMIM 121050.

Submission:

Labcorp Genetics (formerly Invitae), Labcorp
Classification: Pathogenic for Congenital contractural arachnodactyly. Last evaluated: 2022-11-01. Review status: criteria provided, single submitter. Criteria: Invitae Variant Classification Sherloc (09022015). Collection method: clinical testing. Allele origin: germline.
Comment: For these reasons, this variant has been classified as Pathogenic. Advanced modeling of protein sequence and biophysical properties (such as structural, functional, and spatial information, amino acid conservation, physicochemical variation, residue mobility, and thermodynamic stability) performed at Invitae indicates that this missense variant is expected to disrupt FBN2 protein function. ClinVar contains an entry for this variant (Variation ID: 652062). This missense change has been observed in individual(s) with clinical features of congenital contractural arachnodactyly (Invitae). In at least one individual the variant was observed to be de novo. This variant is not present in population databases (gnomAD no frequency). This sequence change replaces glycine, which is neutral and non-polar, with arginine, which is basic and polar, at codon 1087 of the FBN2 protein (p.Gly1087Arg).

NM_001999.4(FBN2):c.3259G>C (p.Gly1087Arg)

Gene: FBN2 (fibrillin 2; minus strand). Cytogenetic location: 5q23.3.
Variant type: single nucleotide variant.
Coding change: c.3259G>C on transcript NM_001999.4 (MANE Select); coding-DNA position 3259, G replaced by C.
Protein change: p.Gly1087Arg; replaces glycine 1087 with arginine.
Molecular consequence: missense variant.
Genome position (GRCh38, 1-based): chr5:128,344,469, C>G on the plus strand (G>C on the coding strand, the complement: FBN2 is on the minus strand). VCF-style: chr5-128344469-C-G. GRCh37 (hg19) VCF-style: chr5-127680161-C-G.
Other names: short protein forms G1087R.
Identifiers: ClinVar variation 652062 (VCV000652062.9), dbSNP rs1581230766, ClinGen allele CA360762142.